The following is an entry in ClinVar:

ClinVar aggregate classification (germline): Uncertain significance (1 of 4 stars; one submission).

Conditions:
Familial thoracic aortic aneurysm and aortic dissection (TAAD). Also called: Thoracic aortic aneurysms and dissections. Identifiers: Orphanet 91387, MedGen C4707243, MONDO:0019625.

Submission:

Labcorp Genetics (formerly Invitae), Labcorp
Classification: Uncertain significance for Familial thoracic aortic aneurysm and aortic dissection. Last evaluated: 2025-06-06. Review status: criteria provided, single submitter. Criteria: Invitae Variant Classification Sherloc (09022015). Collection method: clinical testing. Allele origin: germline.
Comment: This sequence change replaces cysteine, which is neutral and slightly polar, with tyrosine, which is neutral and polar, at codon 101 of the TGFBR1 protein (p.Cys101Tyr). This variant is not present in population databases (gnomAD no frequency). This variant has not been reported in the literature in individuals affected with TGFBR1-related conditions. Invitae Evidence Modeling of protein sequence and biophysical properties (such as structural, functional, and spatial information, amino acid conservation, physicochemical variation, residue mobility, and thermodynamic stability) indicates that this missense variant is expected to disrupt TGFBR1 protein function with a positive predictive value of 80%. In summary, the available evidence is currently insufficient to determine the role of this variant in disease. Therefore, it has been classified as a Variant of Uncertain Significance.

NM_004612.4(TGFBR1):c.302G>A (p.Cys101Tyr)

Gene: TGFBR1 (transforming growth factor beta receptor 1; plus strand). Cytogenetic location: 9q22.33.
Variant type: single nucleotide variant.
Coding change: c.302G>A on transcript NM_004612.4 (MANE Select); coding-DNA position 302, G replaced by A.
Protein change: p.Cys101Tyr; replaces cysteine 101 with tyrosine.
Molecular consequence: missense variant. On other transcripts: non-coding transcript variant (4), intron variant (3).
Genome position (GRCh38, 1-based): chr9:99,129,059, G>A. VCF-style: chr9-99129059-G-A. GRCh37 (hg19) VCF-style: chr9-101891341-G-A.
Other names: c.302G>A, p.Cys101Tyr (NM_001130916.3, NM_001306210.2, NM_001407416.1 and 2 more transcripts); c.95G>A, p.Cys32Tyr (NM_001407418.1, NM_001407419.1, NM_001407420.1 and 12 more transcripts); c.98-3450G>A (NM_001407436.1); c.98-8800G>A (NM_001407438.1); c.98-13477G>A (NM_001407437.1); short protein forms C32Y, C101Y.
Identifiers: ClinVar variation 4743832 (VCV004743832.1).
Genomic context (GRCh38, chr9:99,129,059, plus strand): 5'-ATAGGCCGTTTGTATGTGCACCCTCTTCAAAAACTGGGTCTGTGACTACAACATATTGCT[G>A]CAATCAGGACCATTGCAATAAAATAGAACTTCCAACTACTGGTAAGTTGTATAAAATTTT-3'
Protein context (NP_004603.1, residues 91-111): KTGSVTTTYC[Cys101Tyr]NQDHCNKIEL